The following is an entry in ClinVar:

NR_037466.1(MIR3180-4):n.-250198_93962del

Genes: MIR3180-4 (microRNA 3180-4), MIR6511B2 (microRNA 6511b-2), MPV17L (MPV17 mitochondrial inner membrane protein like; plus strand), MPV17L-BMERB1 (MPV17L-BMERB1 readthrough; plus strand), NPIPA5 (nuclear pore complex interacting protein family member A5; minus strand) and 5 more. Cytogenetic location: 16p13.11.
Variant type: Deletion.
Identifiers: ClinVar variation 157357 (VCV000157357.2).

ClinVar aggregate classification (germline): not provided (0 of 4 stars; one submission).

Conditions:
Preeclampsia. Identifiers: Orphanet 275555, MedGen C0032914, MONDO:0005081, HP:0100602.

Submission:

Institute of Molecular and Cell Biology, University of Tartu
No classification provided. Condition: Preeclampsia. Review status: no classification provided. Collection method: case-control. Allele origin: unknown. Affected: yes. Study: Kasak2014.
Comment: The study aimed to determine the contribution of copy number variants in the genetic etiology of normal and complicated pregnancies. The samples represented (i) maternal blood DNA drawn from healthy pregnant women during 1st or 2nd trimester and (ii) maternal and paternal blood DNA drawn at term pregnancy cases representing normal and complicated gestations (severe preeclampsia, PE; gestational diabetes, GD; small-for-gestational age newborn, SGA; large-for-gestational age newborn, LGA). We performed CNV calling based on genome-wide genotyping dataset (Illumina HumanOmniExpress-24-v1 BeadChip) by applying three algorithms, QuantiSNP, GADA (Genome Alteration Detection Algorithm) and CNstream in parallel. The acquired CNV calls were merged with HD-CNV (Hotspot Detector for Copy Number Variants) program and only the CNVs predicted by at least two programs, were considered in subsequent analysis.

Literature cited by the submitters: PubMed 25666259.